The following is an entry in ClinVar:

NM_001942.4(DSG1):c.2584G>A (p.Val862Met)

Genes: DSG1 (desmoglein 1; plus strand), DSG1-AS1 (DSG1 antisense RNA 1; minus strand), LOC126862720 (MED14-independent group 3 enhancer GRCh37_chr18:28933613-28934812; plus strand). Cytogenetic location: 18q12.1.
Variant type: single nucleotide variant.
Coding change: c.2584G>A on transcript NM_001942.4 (MANE Select); coding-DNA position 2584, G replaced by A.
Protein change: p.Val862Met; replaces valine 862 with methionine.
Molecular consequence: missense variant.
Genome position (GRCh38, 1-based): chr18:31,354,780, G>A. VCF-style: chr18-31354780-G-A. GRCh37 (hg19) VCF-style: chr18-28934743-G-A.
Other names: c.2584G>A (NM_001942.2); short protein forms V862M.
Identifiers: ClinVar variation 1524185 (VCV001524185.7), dbSNP rs201083341, ClinGen allele CA8926402.

ClinVar aggregate classification (germline): Uncertain significance. Review status: criteria provided, multiple submitters, no conflicts (2 of 4 stars). 2 submissions from 2 submitters: Uncertain significance (2). Last evaluated 2026-01-27.

Conditions:
Inborn genetic diseases. Identifiers: MedGen C0950123, MeSH D030342.

Allele frequency attached by ClinVar (database versions not stated): gnomAD 0.00006; TOPMed 0.00006; ESP Exome Variant Server 0.00008.
gnomAD v4.1: 34 of 1,614,172 alleles (0.0021%); highest among the groups gnomAD compares: Middle Eastern, 0.016%; no homozygotes.

Submissions (2):

Labcorp Genetics (formerly Invitae), Labcorp
Classification: Uncertain significance. Last evaluated: 2026-01-27. Review status: criteria provided, single submitter. Criteria: Invitae Variant Classification Sherloc (09022015). Collection method: clinical testing. Allele origin: germline.
Comment: This sequence change replaces valine, which is neutral and non-polar, with methionine, which is neutral and non-polar, at codon 862 of the DSG1 protein (p.Val862Met). This variant is present in population databases (rs201083341, gnomAD 0.03%). This variant has not been reported in the literature in individuals affected with DSG1-related conditions. ClinVar contains an entry for this variant (Variation ID: 1524185). An algorithm developed to predict the effect of missense changes on protein structure and function (PolyPhen-2) suggests that this variant is likely to be disruptive. In summary, the available evidence is currently insufficient to determine the role of this variant in disease. Therefore, it has been classified as a Variant of Uncertain Significance.

Ambry Genetics
Classification: Uncertain significance for Inborn genetic diseases. Last evaluated: 2024-02-17. Review status: criteria provided, single submitter. Criteria: Ambry Variant Classification Scheme 2023. Collection method: clinical testing. Allele origin: germline.